The following is an entry in ClinVar:

ClinVar aggregate classification (germline): Uncertain significance. Review status: criteria provided, multiple submitters, no conflicts (2 of 4 stars). 2 submissions from 2 submitters: Uncertain significance (2). Last evaluated 2025-03-07.

Submissions (2):

Revvity Omics, Revvity
Classification: Uncertain significance. Last evaluated: 2025-03-07. Review status: criteria provided, single submitter. Criteria: ACMG Guidelines, 2015. Collection method: clinical testing. Allele origin: germline.

GeneDx
Classification: Uncertain significance. Last evaluated: 2021-04-09. Review status: criteria provided, single submitter. Criteria: GeneDx Variant Classification Process June 2021. Collection method: clinical testing. Allele origin: germline. Affected: yes.
Comment: Predicted loss-of-function variant in a gene for which the disease mechanism is known to be gain-of-function; Not observed in large population cohorts (Lek et al., 2016); Has not been previously published as pathogenic or benign to our knowledge

NM_002609.4(PDGFRB):c.671_677del (p.Val224fs)

Gene: PDGFRB (platelet derived growth factor receptor beta; minus strand). Cytogenetic location: 5q32.
Variant type: Deletion.
Coding change: c.671_677del on transcript NM_002609.4 (MANE Select); coding-DNA positions 671 to 677, 7 bases deleted (TGGTCCG; older notation c.671_677delTGGTCCG).
Protein change: p.Val224fs; shifts the reading frame from valine 224.
Molecular consequence: frameshift variant.
Genome position (GRCh38, 1-based): chr5:150,133,963-150,133,969, CGGACCA deleted on the plus strand (TGGTCCG on the coding strand, the reverse complement: PDGFRB is on the minus strand); deleting any 7 consecutive bases within chr5:150,133,963-150,133,970 gives the same sequence; the c. name uses the placement nearest the transcript's 3' end. VCF-style (leftmost placement, unchanged base first): chr5-150133962-GCGGACCA-G. GRCh37 (hg19) VCF-style: chr5-149513525-GCGGACCA-G.
Other names: c.479_485del, p.Val160fs (NM_001355016.2); c.188_194del, p.Val63fs (NM_001355017.2); short protein forms V160fs, V224fs, V63fs.
Identifiers: ClinVar variation 1314610 (VCV001314610.3), dbSNP rs2113909312, ClinGen allele CA2573052459.